The following is an entry in ClinVar:

NM_003835.4(RGS9):c.781G>T (p.Asp261Tyr)

Gene: RGS9 (regulator of G protein signaling 9; plus strand). Cytogenetic location: 17q24.1.
Variant type: single nucleotide variant.
Coding change: c.781G>T on transcript NM_003835.4 (MANE Select); coding-DNA position 781, G replaced by T.
Protein change: p.Asp261Tyr; replaces aspartic acid 261 with tyrosine.
Molecular consequence: missense variant.
Genome position (GRCh38, 1-based): chr17:65,193,577, G>T. VCF-style: chr17-65193577-G-T. GRCh37 (hg19) VCF-style: chr17-63189695-G-T.
Other names: c.772G>T, p.Asp258Tyr (NM_001081955.3, NM_001165933.2); short protein forms D258Y, D261Y.
Identifiers: ClinVar variation 2107867 (VCV002107867.4), dbSNP rs1025115746, ClinGen allele CA293056240.

ClinVar aggregate classification (germline): Uncertain significance (1 of 4 stars; one submission).

gnomAD v4.1: 3 of 1,613,760 alleles (0.00019%); highest among the groups gnomAD compares: Non-Finnish European, 0.00025%; no homozygotes.

Submission:

Labcorp Genetics (formerly Invitae), Labcorp
Classification: Uncertain significance. Last evaluated: 2022-08-01. Review status: criteria provided, single submitter. Criteria: Invitae Variant Classification Sherloc (09022015). Collection method: clinical testing. Allele origin: germline.
Comment: This variant has not been reported in the literature in individuals affected with RGS9-related conditions. This sequence change replaces aspartic acid, which is acidic and polar, with tyrosine, which is neutral and polar, at codon 261 of the RGS9 protein (p.Asp261Tyr). This variant is not present in population databases (gnomAD no frequency). Algorithms developed to predict the effect of missense changes on protein structure and function are either unavailable or do not agree on the potential impact of this missense change (SIFT: "Deleterious"; PolyPhen-2: "Probably Damaging"; Align-GVGD: "Class C0"). In summary, the available evidence is currently insufficient to determine the role of this variant in disease. Therefore, it has been classified as a Variant of Uncertain Significance.